The following is an entry in ClinVar:

ClinVar aggregate classification (germline): Uncertain significance. Review status: criteria provided, multiple submitters, no conflicts (2 of 4 stars). 5 submissions from 5 submitters: Uncertain significance (5). Last evaluated 2025-12-03.

Conditions:
Paroxysmal nonkinesigenic dyskinesia. Also called: Paroxysmal non-kinesigenic dyskinesia. Identifiers: Orphanet 98810, MedGen C1869117, MONDO:0700088.
Paroxysmal nonkinesigenic dyskinesia 1 (PNKD1). Also called: DYSTONIA 8; Familial Paroxysmal Nonkinesigenic Dyskinesia; PAROXYSMAL DYSTONIC CHOREOATHETOSIS; MOUNT-REBACK SYNDROME; PxMD-PNKD; Nonkinesigenic choreoathetosis. Identifiers: Orphanet 98810, MedGen C4551506, MONDO:0700089, OMIM 118800, MONDO:0007326.

Submissions (5):

Labcorp Genetics (formerly Invitae), Labcorp
Classification: Uncertain significance for Paroxysmal nonkinesigenic dyskinesia. Last evaluated: 2025-12-03. Review status: criteria provided, single submitter. Criteria: Invitae Variant Classification Sherloc (09022015). Collection method: clinical testing. Allele origin: germline.
Comment: This sequence change creates a premature translational stop signal (p.Ser196Alafs*77) in the PNKD gene. It is expected to result in an absent or disrupted protein product. However, the current clinical and genetic evidence is not sufficient to establish whether loss-of-function variants in PNKD cause disease. This variant is present in population databases (rs761519363, gnomAD 0.009%). This variant has not been reported in the literature in individuals affected with PNKD-related conditions. ClinVar contains an entry for this variant (Variation ID: 523930). In summary, the available evidence is currently insufficient to determine the role of this variant in disease. Therefore, it has been classified as a Variant of Uncertain Significance.

GeneDx
Classification: Uncertain significance. Last evaluated: 2025-06-02. Review status: criteria provided, single submitter. Criteria: GeneDx Variant Classification Process June 2021. Collection method: clinical testing. Allele origin: germline. Affected: yes.
Comment: Frameshift variant predicted to result in protein truncation or nonsense mediated decay in a gene or region of a gene for which loss of function is not a well-established mechanism of disease; Has not been previously published as pathogenic or benign to our knowledge

Women's Health and Genetics/Laboratory Corporation of America, LabCorp
Classification: Uncertain significance. Last evaluated: 2022-09-08. Review status: criteria provided, single submitter. Criteria: LabCorp Variant Classification Summary - May 2015. Collection method: clinical testing. Allele origin: germline.
Comment: Variant summary: PNKD c.585delG (p.Ser196AlafsX77) results in a premature termination codon, predicted to cause a truncation of the encoded protein or absence of the protein due to nonsense mediated decay, which are commonly known mechanisms for disease. The variant allele was found at a frequency of 3.8e-05 in 211762 control chromosomes. The available data on variant occurrences in the general population are insufficient to allow any conclusion about variant significance. To our knowledge, no occurrence of c.585delG in individuals affected with Paroxysmal Nonkinesigenic Dyskinesia 1 and no experimental evidence demonstrating its impact on protein function have been reported. To our knowledge, loss of function variants in PNKD have not been associated with disease. Three clinical diagnostic laboratories have submitted clinical-significance assessments for this variant to ClinVar after 2014 without evidence for independent evaluation. All laboratories classified the variant as uncertain significance. Based on the evidence outlined above, the variant was classified as uncertain significance.

Fulgent Genetics
Classification: Uncertain significance for Paroxysmal nonkinesigenic dyskinesia 1. Last evaluated: 2021-08-19. Review status: criteria provided, single submitter. Criteria: ACMG Guidelines, 2015. Collection method: clinical testing. Allele origin: unknown.

Center for Genomics, Ann and Robert H. Lurie Children's Hospital of Chicago
Classification: Uncertain significance for Paroxysmal nonkinesigenic dyskinesia 1. Last evaluated: 2021-03-30. Review status: criteria provided, single submitter. Criteria: ACMG Guidelines, 2015. Collection method: clinical testing. Allele origin: germline.
Comment: PNKD NM_015488.4 exon 6 p.Ser196Alafs*77 (c.585del): This variant has not been reported in the literature but is present in 0.007% (5/68008) of European alleles in the Genome Aggregation Database. This variant is present in ClinVar (Variation ID:523930). Evolutionary conservation and computational predictive tools for this variant are limited or unavailable. This variant is a deletion of a single nucleotide at position 585 and creates a premature stop codon 77 amino acids downstream from this location which results in an absent or abnormal protein. However, there is insufficient evidence to establish loss of function (LOF) as a mechanism of disease for this gene at this time. In summary, data on this variant is suspicious for disease, but requires further evidence for pathogenicity. Therefore, the clinical significance of this variant is uncertain.

NM_015488.5(PNKD):c.585del (p.Ser196fs)

Genes: CATIP-AS2 (CATIP antisense RNA 2; minus strand), PNKD (PNKD metallo-beta-lactamase domain containing; plus strand). Cytogenetic location: 2q35.
Variant type: Deletion.
Coding change: c.585del on transcript NM_015488.5 (MANE Select); coding-DNA position 585, one base deleted (G; older notation c.585delG).
Protein change: p.Ser196fs; shifts the reading frame from serine 196.
Molecular consequence: frameshift variant.
Genome position (GRCh38, 1-based): chr2:218,341,594, G deleted; the last of 3 consecutive G bases (chr2:218,341,592-218,341,594); deleting any one gives the same sequence. VCF-style (leftmost placement, unchanged base first): chr2-218341591-CG-C. GRCh37 (hg19) VCF-style: chr2-219206314-CG-C.
Other names: c.585del (NM_015488.4); c.513delG, p.Ser172Alafs (NM_022572.5); short protein forms S196fs, S172fs.
Identifiers: ClinVar variation 523930 (VCV000523930.14), dbSNP rs761519363, ClinGen allele CA2104016.
Genomic context (GRCh38, chr2:218,341,591, plus strand): 5'-CAGGGACCACAGTGGAGGGAACCGTGACCTCAGCCGGCGGCACCGGGACTGTCGGGTGTA[CG>C]GGAGCCCTCAGGACGGCATCCCCTACCTCACCCAGTAAGTCCCTGACCTAGGCAAGGGAT-3'